The following is an entry in ClinVar:

NM_000032.5(ALAS2):c.73G>A (p.Val25Met)

Genes: ALAS2 (5'-aminolevulinate synthase 2; minus strand), LOC108663984 (ALAS2 intron 1 and 3 erythroid regulatory elements; plus strand). Cytogenetic location: Xp11.21.
Variant type: single nucleotide variant.
Coding change: c.73G>A on transcript NM_000032.5 (MANE Select); coding-DNA position 73, G replaced by A.
Protein change: p.Val25Met; replaces valine 25 with methionine.
Molecular consequence: missense variant.
Genome position (GRCh38, 1-based): chrX:55,025,928, C>T on the plus strand (G>A on the coding strand, the complement: ALAS2 is on the minus strand). VCF-style: chrX-55025928-C-T. GRCh37 (hg19) VCF-style: chrX-55052361-C-T.
Other names: c.73G>A, p.Val25Met (NM_001037967.4); c.145G>A, p.Val49Met (NM_001037968.4); short protein forms V49M, V25M.
Identifiers: ClinVar variation 1969348 (VCV001969348.6), dbSNP rs780108052, ClinGen allele CA10428482.

ClinVar aggregate classification (germline): Conflicting classifications of pathogenicity. Review status: criteria provided, conflicting classifications (1 of 4 stars). 2 submissions from 2 submitters: Uncertain significance (1); Likely benign (1). Last evaluated 2024-10-23.

Allele frequency attached by ClinVar (database versions not stated): ExAC 0.00001; gnomAD exomes 0.00001.
gnomAD v4.1: 11 of 1,209,356 alleles (0.00091%); highest among the groups gnomAD compares: Non-Finnish European, 0.0012%; no homozygotes.

Submissions (2):

Labcorp Genetics (formerly Invitae), Labcorp
Classification: Uncertain significance. Last evaluated: 2024-10-23. Review status: criteria provided, single submitter. Criteria: Invitae Variant Classification Sherloc (09022015). Collection method: clinical testing. Allele origin: germline.
Comment: This sequence change replaces valine, which is neutral and non-polar, with methionine, which is neutral and non-polar, at codon 25 of the ALAS2 protein (p.Val25Met). This variant is present in population databases (rs780108052, gnomAD 0.004%). This variant has not been reported in the literature in individuals affected with ALAS2-related conditions. ClinVar contains an entry for this variant (Variation ID: 1969348). Invitae Evidence Modeling of protein sequence and biophysical properties (such as structural, functional, and spatial information, amino acid conservation, physicochemical variation, residue mobility, and thermodynamic stability) indicates that this missense variant is not expected to disrupt ALAS2 protein function with a negative predictive value of 95%. In summary, the available evidence is currently insufficient to determine the role of this variant in disease. Therefore, it has been classified as a Variant of Uncertain Significance.

Blueprint Genetics
Classification: Likely benign. Last evaluated: 2024-04-12. Review status: criteria provided, single submitter. Criteria: ACMG Guidelines, 2015. Collection method: clinical testing. Allele origin: germline.